The following is an entry in ClinVar:

NM_001005373.4(LRSAM1):c.2068T>C (p.Cys690Arg)

Gene: LRSAM1 (leucine rich repeat and sterile alpha motif containing 1; plus strand). Cytogenetic location: 9q34.11.
Variant type: single nucleotide variant.
Coding change: c.2068T>C on transcript NM_001005373.4 (MANE Select); coding-DNA position 2068, T replaced by C.
Protein change: p.Cys690Arg; replaces cysteine 690 with arginine.
Molecular consequence: missense variant. On other transcripts: non-coding transcript variant (2).
Genome position (GRCh38, 1-based): chr9:127,502,795, T>C. VCF-style: chr9-127502795-T-C. GRCh37 (hg19) VCF-style: chr9-130265074-T-C.
Other names: c.2068T>C, p.Cys690Arg (NM_001005374.4, NM_001384142.1, NM_138361.5); c.1987T>C, p.Cys663Arg (NM_001190723.3); c.1969T>C, p.Cys657Arg (NM_001384143.1); c.1279T>C, p.Cys427Arg (NM_001384144.1); short protein forms C690R, C663R, C427R, C657R.
Identifiers: ClinVar variation 242907 (VCV000242907.45), dbSNP rs879253755, ClinGen allele CA10584021.

ClinVar aggregate classification (germline): Pathogenic/Likely pathogenic. Review status: criteria provided, multiple submitters, no conflicts (2 of 4 stars). 3 submissions from 3 submitters: Pathogenic (1); Likely pathogenic (2). Last evaluated 2025-12-23.

Conditions:
Charcot-Marie-Tooth disease axonal type 2P. Also called: CHARCOT-MARIE-TOOTH NEUROPATHY, TYPE 2P; Charcot-Marie-Tooth Neuropathy Type 2G; CHARCOT-MARIE-TOOTH DISEASE, AXONAL, TYPE 2G; CMT 2G. Identifiers: Orphanet 300319, Orphanet 99941, MedGen C3280797, MONDO:0013753, OMIM 614436.

Submissions (3):

Labcorp Genetics (formerly Invitae), Labcorp
Classification: Likely pathogenic for Charcot-Marie-Tooth disease axonal type 2P. Last evaluated: 2025-12-23. Review status: criteria provided, single submitter. Criteria: Invitae Variant Classification Sherloc (09022015). Collection method: clinical testing. Allele origin: germline.
Comment: This sequence change replaces cysteine, which is neutral and slightly polar, with arginine, which is basic and polar, at codon 690 of the LRSAM1 protein (p.Cys690Arg). This variant is not present in population databases (gnomAD no frequency). This missense change has been observed in individuals with clinical features of autosomal dominant Charcot-Marie-Tooth disease (PMID: 25133958, 27353043, 33414056). ClinVar contains an entry for this variant (Variation ID: 242907). Invitae Evidence Modeling of protein sequence and biophysical properties (such as structural, functional, and spatial information, amino acid conservation, physicochemical variation, residue mobility, and thermodynamic stability) indicates that this missense variant is expected to disrupt LRSAM1 protein function with a positive predictive value of 80%. In summary, the currently available evidence indicates that the variant is pathogenic, but additional data are needed to prove that conclusively. Therefore, this variant has been classified as Likely Pathogenic.

CeGaT Center for Human Genetics Tuebingen
Classification: Pathogenic. Last evaluated: 2020-02-01. Review status: criteria provided, single submitter. Criteria: CeGaT Center For Human Genetics Tuebingen Variant Classification Criteria Version 2. Collection method: clinical testing. Allele origin: germline. Affected: yes. Observed: 1 variant allele.

Center of Genomic medicine, Geneva, University Hospital of Geneva
Classification: Likely pathogenic for Charcot-Marie-Tooth disease axonal type 2P. Last evaluated: 2015-05-22. Review status: criteria provided, single submitter. Criteria: ACMG Guidelines, 2015. Collection method: clinical testing. Allele origin: germline. Affected: yes. Study: Final Reports_Cases2015_1.
Comment: Charcot-Marie-Tooth disease type 2P has been reported by several publications to be caused by heterozygous or homozygous mutations in the LRSAM1 gene.

Literature cited by the submitters: PubMed 25133958 (cited by Labcorp Genetics (formerly Invitae), Labcorp); PubMed 27353043 (cited by Labcorp Genetics (formerly Invitae), Labcorp); PubMed 33414056 (cited by Labcorp Genetics (formerly Invitae), Labcorp); PubMed 24894446 (cited by Center of Genomic medicine, Geneva, University Hospital of Geneva).